The following is an entry in ClinVar:

NM_199420.4(POLQ):c.718A>C (p.Ile240Leu)

Gene: POLQ (DNA polymerase theta; minus strand). Cytogenetic location: 3q13.33.
Variant type: single nucleotide variant.
Coding change: c.718A>C on transcript NM_199420.4 (MANE Select); coding-DNA position 718, A replaced by C.
Protein change: p.Ile240Leu; replaces isoleucine 240 with leucine.
Molecular consequence: missense variant.
Genome position (GRCh38, 1-based): chr3:121,537,122, T>G on the plus strand (A>C on the coding strand, the complement: POLQ is on the minus strand). VCF-style: chr3-121537122-T-G. GRCh37 (hg19) VCF-style: chr3-121255969-T-G.
Other names: short protein forms I240L.
Identifiers: ClinVar variation 1757572 (VCV001757572.2), dbSNP rs2546822704, ClinGen allele CA354090402.
Genomic context (GRCh38, chr3:121,537,122, plus strand): 5'-TTTGAAATCTCAGGAACTCAGTTATTTCACGTACTTACCAAGATGCTGATTTCCGAGTAA[T>G]ATAGCAAATCTTGGTCAGCAAAAGTTCCAGCAGATACCCTCGGTGAGAGTCTCCCAGCAT-3'
Protein context (NP_955452.3, residues 230-250): LELLLTKICY[Ile240Leu]TRKSASCQAD

ClinVar aggregate classification (germline): Uncertain significance (1 of 4 stars; one submission).

Submission:

Ambry Genetics
Classification: Uncertain significance. Last evaluated: 2021-07-09. Review status: criteria provided, single submitter. Criteria: Ambry Variant Classification Scheme 2023. Collection method: clinical testing. Allele origin: germline.
Comment: The p.I240L variant (also known as c.718A>C), located in coding exon 5 of the POLQ gene, results from an A to C substitution at nucleotide position 718. The isoleucine at codon 240 is replaced by leucine, an amino acid with highly similar properties. This amino acid position is conserved. In addition, this alteration is predicted to be tolerated by in silico analysis. Since supporting evidence is limited at this time, the clinical significance of this alteration remains unclear.